The following is an entry in ClinVar:

ClinVar aggregate classification (germline): Uncertain significance. Review status: criteria provided, multiple submitters, no conflicts (2 of 4 stars). 2 submissions from 2 submitters: Uncertain significance (2). Last evaluated 2025-03-27.

Conditions:
Gastrointestinal stromal tumor. Also called: Gastrointestinal stromal tumor, somatic; Gastrointestinal stroma tumor. Identifiers: Orphanet 44890, MedGen C0238198, MeSH D046152, MONDO:0011719, OMIM 606764, HP:0100723.
Hereditary cancer-predisposing syndrome. Also called: Neoplastic Syndromes, Hereditary; Tumor predisposition; Hereditary Cancer Syndrome; Hereditary neoplastic syndrome. Identifiers: Orphanet 140162, MedGen C0027672, MeSH D009386, MONDO:0015356.

Allele frequency attached by ClinVar (database versions not stated): gnomAD below 0.00001 and 0.00001; gnomAD exomes below 0.00001; TOPMed below 0.00001.
gnomAD v4.1: 7 of 1,613,792 alleles (0.00043%); highest among the groups gnomAD compares: South Asian, 0.0011%; no homozygotes.

Submissions (2):

Labcorp Genetics (formerly Invitae), Labcorp
Classification: Uncertain significance for Gastrointestinal stromal tumor. Last evaluated: 2025-03-27. Review status: criteria provided, single submitter. Criteria: Invitae Variant Classification Sherloc (09022015). Collection method: clinical testing. Allele origin: germline.
Comment: This sequence change replaces proline, which is neutral and non-polar, with leucine, which is neutral and non-polar, at codon 441 of the PDGFRA protein (p.Pro441Leu). This variant is present in population databases (no rsID available, gnomAD no frequency). This variant has not been reported in the literature in individuals affected with PDGFRA-related conditions. ClinVar contains an entry for this variant (Variation ID: 658927). Invitae Evidence Modeling of protein sequence and biophysical properties (such as structural, functional, and spatial information, amino acid conservation, physicochemical variation, residue mobility, and thermodynamic stability) indicates that this missense variant is not expected to disrupt PDGFRA protein function with a negative predictive value of 80%. In summary, the available evidence is currently insufficient to determine the role of this variant in disease. Therefore, it has been classified as a Variant of Uncertain Significance.

Ambry Genetics
Classification: Uncertain significance for Hereditary cancer-predisposing syndrome. Last evaluated: 2025-02-12. Review status: criteria provided, single submitter. Criteria: Ambry Variant Classification Scheme 2023. Collection method: clinical testing. Allele origin: germline.
Comment: The p.P441L variant (also known as c.1322C>T), located in coding exon 8 of the PDGFRA gene, results from a C to T substitution at nucleotide position 1322. The proline at codon 441 is replaced by leucine, an amino acid with similar properties. This amino acid position is conserved. In addition, this alteration is predicted to be deleterious by in silico analysis. Based on the available evidence, the clinical significance of this variant remains unclear.

NM_006206.6(PDGFRA):c.1322C>T (p.Pro441Leu)

Gene: PDGFRA (platelet derived growth factor receptor alpha; plus strand). Cytogenetic location: 4q12.
Variant type: single nucleotide variant.
Coding change: c.1322C>T on transcript NM_006206.6 (MANE Select); coding-DNA position 1322, C replaced by T.
Protein change: p.Pro441Leu; replaces proline 441 with leucine.
Molecular consequence: missense variant.
Genome position (GRCh38, 1-based): chr4:54,272,478, C>T. VCF-style: chr4-54272478-C-T. GRCh37 (hg19) VCF-style: chr4-55138645-C-T.
Other names: c.1322C>T, p.Pro441Leu (NM_001347827.2, NM_001347829.2); c.1397C>T, p.Pro466Leu (NM_001347828.2); c.1361C>T, p.Pro454Leu (NM_001347830.2); short protein forms P466L, P454L, P441L.
Identifiers: ClinVar variation 658927 (VCV000658927.10), dbSNP rs1031763557, ClinGen allele CA96855815.